The following is an entry in ClinVar:

ClinVar aggregate classification (germline): Uncertain significance (1 of 4 stars; one submission).

Allele frequency attached by ClinVar (database versions not stated): gnomAD 0.00001; TOPMed 0.00002.
gnomAD v4.1: 13 of 1,542,520 alleles (0.00084%); highest among the groups gnomAD compares: Admixed American, 0.0099%; no homozygotes.

Submission:

Labcorp Genetics (formerly Invitae), Labcorp
Classification: Uncertain significance. Last evaluated: 2024-10-15. Review status: criteria provided, single submitter. Criteria: Invitae Variant Classification Sherloc (09022015). Collection method: clinical testing. Allele origin: germline.
Comment: This sequence change replaces leucine, which is neutral and non-polar, with phenylalanine, which is neutral and non-polar, at codon 2177 of the EYS protein (p.Leu2177Phe). This variant is present in population databases (no rsID available, gnomAD 0.02%). This variant has not been reported in the literature in individuals affected with EYS-related conditions. ClinVar contains an entry for this variant (Variation ID: 2074650). Invitae Evidence Modeling of protein sequence and biophysical properties (such as structural, functional, and spatial information, amino acid conservation, physicochemical variation, residue mobility, and thermodynamic stability) indicates that this missense variant is expected to disrupt EYS protein function with a positive predictive value of 80%. In summary, the available evidence is currently insufficient to determine the role of this variant in disease. Therefore, it has been classified as a Variant of Uncertain Significance.

NM_001142800.2(EYS):c.6531G>C (p.Leu2177Phe)

Gene: EYS (EGF-like photoreceptor maintenance factor; minus strand). Cytogenetic location: 6q12.
Variant type: single nucleotide variant.
Coding change: c.6531G>C on transcript NM_001142800.2 (MANE Select); coding-DNA position 6531, G replaced by C.
Protein change: p.Leu2177Phe; replaces leucine 2177 with phenylalanine.
Molecular consequence: missense variant.
Genome position (GRCh38, 1-based): chr6:64,081,896, C>G on the plus strand (G>C on the coding strand, the complement: EYS is on the minus strand). VCF-style: chr6-64081896-C-G. GRCh37 (hg19) VCF-style: chr6-64791789-C-G.
Other names: c.6531G>C, p.Leu2177Phe (NM_001292009.2); short protein forms L2177F.
Identifiers: ClinVar variation 2074650 (VCV002074650.3), dbSNP rs1294585713, ClinGen allele CA364390882.
Genomic context (GRCh38, chr6:64,081,896, plus strand): 5'-GTCAAACATTTAATACTCACTGTAAAGAATAGTTCCATTTAAACTGTTTGTTTTTATAGT[C>G]AAGTAGATGGTAACAGTTCTGTTATGTTCCTTCTCCAGGACAAACTTCAAAAAGGGCAGT-3'
Protein context (NP_001136272.1, residues 2167-2187): KEHNRTVTIY[Leu2177Phe]TIKTNSLNGT